The following is an entry in ClinVar:

NM_000138.5(FBN1):c.8140G>C (p.Ala2714Pro)

Gene: FBN1 (fibrillin 1; minus strand). Cytogenetic location: 15q21.1.
Variant type: single nucleotide variant.
Coding change: c.8140G>C on transcript NM_000138.5 (MANE Select); coding-DNA position 8140, G replaced by C.
Protein change: p.Ala2714Pro; replaces alanine 2714 with proline.
Molecular consequence: missense variant.
Genome position (GRCh38, 1-based): chr15:48,412,655, C>G on the plus strand (G>C on the coding strand, the complement: FBN1 is on the minus strand). VCF-style: chr15-48412655-C-G. GRCh37 (hg19) VCF-style: chr15-48704852-C-G.
Other names: c.8140G>C, p.Ala2714Pro (NM_001406716.1); short protein forms A2714P.
Identifiers: ClinVar variation 3075459 (VCV003075459.1), dbSNP rs766170041, ClinGen allele CA059656.
Genomic context (GRCh38, chr15:48,412,655, plus strand): 5'-TTGTGCTTCTCCGTTTCCTGCCCCGTTTGGGGTAGCCATTGATCTTACACTCGTAACAAG[C>G]CTCTGGGGAGAGTGAATTGTCATCCATTTCACCACTGACAGGTGGCTCTGGGTTTCCTCG-3'
Protein context (NP_000129.3, residues 2704-2724): EMDDNSLSPE[Ala2714Pro]CYECKINGYP

ClinVar aggregate classification (germline): Uncertain significance (1 of 4 stars; one submission).

Conditions:
Marfan syndrome (MFS). Also called: MARFAN SYNDROME, TYPE I; Marfan syndrome type 1; Marfan's syndrome; Marfan syndrome, classic; FBN1-Related Marfan Syndrome. Identifiers: Orphanet 284963, Orphanet 558, MedGen C0024796, MONDO:0007947, OMIM 154700.

Allele frequency attached by ClinVar (database versions not stated): ExAC 0.00001.
gnomAD v4.1: 1 of 1,614,262 alleles (0.000062%); highest among the groups gnomAD compares: Non-Finnish European, 0.000085%; no homozygotes.

Submission:

All of Us Research Program, National Institutes of Health
Classification: Uncertain significance for Marfan syndrome. Last evaluated: 2024-02-05. Review status: criteria provided, single submitter. Criteria: ACMG Guidelines, 2015. Collection method: clinical testing. Allele origin: germline. Inheritance: Autosomal dominant inheritance. Observed: 1 variant allele, 1 heterozygote.
Comment: This missense variant replaces alanine with proline at codon 2714 of the FBN1 protein. Computational prediction is inconclusive regarding the impact of this variant on protein structure and function (internally defined REVEL score threshold 0.5 < inconclusive < 0.7, PMID: 27666373). To our knowledge, functional studies have not been reported for this variant. This variant has not been reported in individuals affected with FBN1-related disorders in the literature. This variant has been identified in 1/251476 chromosomes in the general population by the Genome Aggregation Database (gnomAD). The available evidence is insufficient to determine the role of this variant in disease conclusively. Therefore, this variant is classified as a Variant of Uncertain Significance.

This study involves interpretation of variants in research participants for the purpose of population health screening. Participant phenotype was not available at the time of variant classification. Additional details can be found in publication PMID: 35346344, PMCID: PMC8962531